The following is an entry in ClinVar:

NM_001330260.2(SCN8A):c.3664A>G (p.Ile1222Val)

Gene: SCN8A (sodium voltage-gated channel alpha subunit 8; plus strand). Cytogenetic location: 12q13.13.
Variant type: single nucleotide variant.
Coding change: c.3664A>G on transcript NM_001330260.2 (MANE Select); coding-DNA position 3664, A replaced by G.
Protein change: p.Ile1222Val; replaces isoleucine 1222 with valine.
Molecular consequence: missense variant.
Genome position (GRCh38, 1-based): chr12:51,774,207, A>G. VCF-style: chr12-51774207-A-G. GRCh37 (hg19) VCF-style: chr12-52167991-A-G.
Other names: c.3664A>G, p.Ile1222Val (NM_001177984.3, NM_001369788.1, NM_014191.4); short protein forms I1222V.
Identifiers: ClinVar variation 3690895 (VCV003690895.2).

ClinVar aggregate classification (germline): Uncertain significance (1 of 4 stars; one submission).

Conditions:
Early-infantile DEE. Also called: Ohtahara syndrome; Early infantile epileptic encephalopathy with suppression bursts; Early infantile epileptic encephalopathy. Identifiers: Orphanet 1934, MedGen C0393706, MONDO:0800491.

Submission:

Labcorp Genetics (formerly Invitae), Labcorp
Classification: Uncertain significance for Early-infantile DEE. Last evaluated: 2024-08-04. Review status: criteria provided, single submitter. Criteria: Invitae Variant Classification Sherloc (09022015). Collection method: clinical testing. Allele origin: germline.
Comment: This sequence change replaces isoleucine, which is neutral and non-polar, with valine, which is neutral and non-polar, at codon 1222 of the SCN8A protein (p.Ile1222Val). This variant is not present in population databases (gnomAD no frequency). This variant has not been reported in the literature in individuals affected with SCN8A-related conditions. Advanced modeling of protein sequence and biophysical properties (such as structural, functional, and spatial information, amino acid conservation, physicochemical variation, residue mobility, and thermodynamic stability) performed at Invitae indicates that this missense variant is not expected to disrupt SCN8A protein function with a negative predictive value of 95%. In summary, the available evidence is currently insufficient to determine the role of this variant in disease. Therefore, it has been classified as a Variant of Uncertain Significance.